The following is an entry in ClinVar:

ClinVar aggregate classification (germline): Benign/Likely benign. Review status: criteria provided, multiple submitters, no conflicts (2 of 4 stars). 4 submissions from 4 submitters: Benign (1); Likely benign (2). 1 of the submissions does not count toward it. Last evaluated 2025-08-22.

Conditions:
BPTF-related disorder. Also called: BPTF-related condition.

Allele frequency attached by ClinVar (database versions not stated): 1000 Genomes Project 30x 0.00047; TOPMed 0.00155; gnomAD 0.00261; gnomAD exomes 0.00417.
gnomAD v4.1: 3,929 of 1,013,984 alleles (0.39%); highest among the groups gnomAD compares: Non-Finnish European, 0.43%; 3 homozygotes.

Submissions (4):

Labcorp Genetics (formerly Invitae), Labcorp
Classification: Benign. Last evaluated: 2025-08-22. Review status: criteria provided, single submitter. Criteria: Invitae Variant Classification Sherloc (09022015). Collection method: clinical testing. Allele origin: germline.

CeGaT Center for Human Genetics Tuebingen
Classification: Likely benign. Last evaluated: 2025-08-01. Review status: criteria provided, single submitter. Criteria: CeGaT Center For Human Genetics Tuebingen Variant Classification Criteria Version 2. Collection method: clinical testing. Allele origin: germline. Affected: yes. Observed: 8 variant alleles.
Comment: BPTF: BP4, BP7

Blueprint Genetics
Classification: Likely benign. Last evaluated: 2024-11-25. Review status: criteria provided, single submitter. Criteria: ACMG Guidelines, 2015. Collection method: clinical testing. Allele origin: germline.

PreventionGenetics, part of Exact Sciences
Classification: Likely benign for BPTF-related condition. Last evaluated: 2023-11-29. Review status: no assertion criteria provided. Collection method: clinical testing. Allele origin: germline. Not counted in ClinVar's aggregate classification.
Comment: This variant is classified as likely benign based on ACMG/AMP sequence variant interpretation guidelines (Richards et al. 2015 PMID: 25741868, with internal and published modifications).

NM_182641.4(BPTF):c.135C>T (p.Gly45=)

Gene: BPTF (bromodomain PHD finger transcription factor; plus strand). Cytogenetic location: 17q24.2.
Variant type: single nucleotide variant.
Coding change: c.135C>T on transcript NM_182641.4 (MANE Select); coding-DNA position 135, C replaced by T.
Protein change: p.Gly45=; no amino-acid change (glycine 45 retained).
Molecular consequence: synonymous variant.
Genome position (GRCh38, 1-based): chr17:67,825,859, C>T. VCF-style: chr17-67825859-C-T. GRCh37 (hg19) VCF-style: chr17-65821975-C-T.
Other names: c.135C>T, p.Gly45= (NM_004459.7); c.135C>T (NM_182641.3).
Identifiers: ClinVar variation 1971132 (VCV001971132.31), dbSNP rs906413939, ClinGen allele CA293236427.